The following is an entry in ClinVar:

NM_000059.4(BRCA2):c.9182T>A (p.Leu3061Ter)

Gene: BRCA2 (BRCA2 DNA repair associated; plus strand). Cytogenetic location: 13q13.1.
Variant type: single nucleotide variant.
Coding change: c.9182T>A on transcript NM_000059.4 (MANE Select); coding-DNA position 9182, T replaced by A.
Protein change: p.Leu3061Ter; replaces leucine 3061 with a stop codon.
Molecular consequence: nonsense.
Genome position (GRCh38, 1-based): chr13:32,380,071, T>A. VCF-style: chr13-32380071-T-A. GRCh37 (hg19) VCF-style: chr13-32954208-T-A.
Other names: short protein forms L3061*.
Identifiers: ClinVar variation 52769 (VCV000052769.35), dbSNP rs80359175, ClinGen allele CA026019.

ClinVar aggregate classification (germline): Pathogenic. Review status: reviewed by expert panel (3 of 4 stars). 12 submissions from 12 submitters: Pathogenic (1). 11 of the submissions do not count toward it. Last evaluated 2016-09-08.

Conditions:
Hereditary cancer-predisposing syndrome. Also called: Hereditary neoplastic syndrome; Neoplastic Syndromes, Hereditary; Hereditary Cancer Syndrome; Tumor predisposition. Identifiers: Orphanet 140162, MedGen C0027672, MeSH D009386, MONDO:0015356.
Hereditary breast ovarian cancer syndrome. Also called: Hereditary breast and ovarian cancer syndrome (HBOC); Breast and ovarian cancer; Hereditary breast and ovarian cancer syndrome; BRCA1- and BRCA2-Associated Hereditary Breast and Ovarian Cancer; Hereditary breast and/or ovarian cancer syndrome; Hereditary breast and ovarian cancer. Identifiers: Orphanet 145, MedGen C0677776, MeSH D061325, MONDO:0003582. Disease mechanism: loss of function.
Breast-ovarian cancer, familial, susceptibility to, 2 (BROVCA2). Also called: BRCA2 Hereditary Breast and Ovarian Cancer. Identifiers: Orphanet 145, MedGen C2675520, MONDO:0012933, OMIM 612555. Disease mechanism: loss of function.
Familial cancer of breast. Also called: BREAST CANCER, FAMILIAL; hereditary breast carcinoma; Hereditary breast cancer. Identifiers: Orphanet 227535, MedGen C0346153, MONDO:0016419, OMIM 114480. Disease mechanism: loss of function.

Submissions (12):

Evidence-based Network for the Interpretation of Germline Mutant Alleles (ENIGMA)
Classification: Pathogenic for Breast-ovarian cancer, familial, susceptibility to, 2. Last evaluated: 2016-09-08. Review status: reviewed by expert panel. Criteria: ENIGMA BRCA1/2 Classification Criteria (2015). Collection method: curation. Allele origin: germline.
Comment: Variant allele predicted to encode a truncated non-functional protein.

Women's Health and Genetics/Laboratory Corporation of America, LabCorp
Classification: Pathogenic for Hereditary breast ovarian cancer syndrome. Last evaluated: 2026-03-26. Review status: criteria provided, single submitter. Criteria: LabCorp Variant Classification Summary - May 2015. Collection method: clinical testing. Allele origin: germline. Not counted in ClinVar's aggregate classification.
Comment: Variant summary: BRCA2 c.9182T>A (p.Leu3061X) results in a premature termination codon, predicted to cause a truncation of the encoded protein or absence of the protein due to nonsense mediated decay, which are commonly known mechanisms for disease. The variant was absent in 251290 control chromosomes. c.9182T>A has been observed in individuals affected with breast and/or ovarian cancer (example: Tung_2015, Rebbeck_2018) . To our knowledge, no experimental evidence demonstrating an impact on protein function has been reported. The following publications have been ascertained in the context of this evaluation (PMID: 29446198, 25186627). ClinVar contains an entry for this variant (Variation ID: 52769). Based on the evidence outlined above, the variant was classified as pathogenic.

Labcorp Genetics (formerly Invitae), Labcorp
Classification: Pathogenic for Hereditary breast ovarian cancer syndrome. Last evaluated: 2025-07-16. Review status: criteria provided, single submitter. Criteria: Invitae Variant Classification Sherloc (09022015). Collection method: clinical testing. Allele origin: germline. Not counted in ClinVar's aggregate classification.
Comment: This sequence change creates a premature translational stop signal (p.Leu3061*) in the BRCA2 gene. It is expected to result in an absent or disrupted protein product. Loss-of-function variants in BRCA2 are known to be pathogenic (PMID: 20104584). This variant is not present in population databases (gnomAD no frequency). This premature translational stop signal has been observed in individual(s) with breast and/or ovarian cancer (PMID: 25186627, 29446198). ClinVar contains an entry for this variant (Variation ID: 52769). For these reasons, this variant has been classified as Pathogenic.

Quest Diagnostics Nichols Institute San Juan Capistrano
Classification: Pathogenic. Last evaluated: 2024-12-30. Review status: criteria provided, single submitter. Criteria: Quest Diagnostics criteria. Collection method: clinical testing. Allele origin: unknown. Not counted in ClinVar's aggregate classification.
Comment: The BRCA2 c.9182T>A (p.Leu3061*) variant causes the premature termination of BRCA2 protein synthesis. This variant has been reported in the published literature in an individual affected with breast cancer (PMID: 25186627 (2015)). This variant has not been reported in large, multi-ethnic general populations (Genome Aggregation Database). Based on the available information, this variant is classified as pathogenic.

Ambry Genetics
Classification: Pathogenic for Hereditary cancer-predisposing syndrome. Last evaluated: 2024-07-31. Review status: criteria provided, single submitter. Criteria: Ambry Variant Classification Scheme 2023. Collection method: clinical testing. Allele origin: germline. Not counted in ClinVar's aggregate classification.
Comment: The p.L3061* pathogenic mutation (also known as c.9182T>A), located in coding exon 23 of the BRCA2 gene, results from a T to A substitution at nucleotide position 9182. This changes the amino acid from a leucine to a stop codon within coding exon 23. In addition to the clinical data presented in the literature, this alteration is expected to result in loss of function by premature protein truncation or nonsense-mediated mRNA decay. As such, this alteration is interpreted as a disease-causing mutation.

GeneDx
Classification: Pathogenic. Last evaluated: 2024-06-25. Review status: criteria provided, single submitter. Criteria: GeneDx Variant Classification Process June 2021. Collection method: clinical testing. Allele origin: germline. Affected: yes. Not counted in ClinVar's aggregate classification.
Comment: Nonsense variant predicted to result in protein truncation or nonsense mediated decay in a gene for which loss-of-function is a known mechanism of disease; Truncating variants in this gene are considered pathogenic by a well-established clinical consortium and/or database; Not observed at significant frequency in large population cohorts (gnomAD); Observed in individuals with a personal or family history consistent with pathogenic variants in this gene (PMID: 25186627, 29446198); Also known as 9410T>A; This variant is associated with the following publications: (PMID: 28152038, 25186627, 28989037, 30639082, 10923033, 29446198, 30787465)

All of Us Research Program, National Institutes of Health
Classification: Pathogenic for Breast-ovarian cancer, familial, susceptibility to, 2. Last evaluated: 2023-11-14. Review status: criteria provided, single submitter. Criteria: ACMG Guidelines, 2015. Collection method: clinical testing. Allele origin: germline. Inheritance: Autosomal dominant inheritance. Observed: 1 variant allele, 1 heterozygote. Not counted in ClinVar's aggregate classification.
Comment: The c.9182T>A (p.Leu3061*) variant in the BRCA2 gene is located on the exon 24 and introduces a premature translation termination codon (p.Leu3061*), resulting in an absent or disrupted protein product. The variant has been reported in individuals with breast and/or ovarian cancer (PMID: 29446198, 25186627). Loss-of-function variants of BRCA2 are known to be pathogenic (PMID: 8988179, 11897832, 29446198). The variant is reported in ClinVar as pathogenic (ID: 52769) and reviewed by the expert panel. The variant is absent in the general population database (gnomAD). Therefore, the c.9182T>A (p.Leu3061*) variant of BRCA2 has been classified as pathogenic.

This study involves interpretation of variants in research participants for the purpose of population health screening. Participant phenotype was not available at the time of variant classification. Additional details can be found in publication PMID: 35346344, PMCID: PMC8962531

Baylor Genetics
Classification: Pathogenic for Familial cancer of breast. Last evaluated: 2023-07-05. Review status: criteria provided, single submitter. Criteria: ACMG Guidelines, 2015. Collection method: clinical testing. Allele origin: unknown. Not counted in ClinVar's aggregate classification.

Color Diagnostics, LLC DBA Color Health
Classification: Pathogenic for Hereditary cancer-predisposing syndrome. Last evaluated: 2020-01-15. Review status: criteria provided, single submitter. Criteria: ACMG Guidelines, 2015. Collection method: clinical testing. Allele origin: germline. Not counted in ClinVar's aggregate classification.
Comment: This variant changes 1 nucleotide in exon 24 of the BRCA2 gene, creating a premature translation stop signal. This variant is expected to result in an absent or non-functional protein product. This variant has not been identified in the general population by the Genome Aggregation Database (gnomAD). Loss of BRCA2 function is a known mechanism of disease. Based on the available evidence, this variant is classified as Pathogenic.

Consortium of Investigators of Modifiers of BRCA1/2 (CIMBA), c/o University of Cambridge
Classification: Pathogenic for Breast-ovarian cancer, familial, susceptibility to, 2. Last evaluated: 2015-10-02. Review status: criteria provided, single submitter. Criteria: CIMBA Mutation Classification guidelines May 2016. Collection method: clinical testing. Allele origin: germline. Not counted in ClinVar's aggregate classification.

Mayo Clinic Laboratories, Mayo Clinic
Classification: Pathogenic. Last evaluated: 2017-01-11. Review status: no assertion criteria provided. Collection method: clinical testing. Allele origin: unknown. Not counted in ClinVar's aggregate classification.

Breast Cancer Information Core (BIC) (BRCA2)
Classification: Pathogenic for Breast-ovarian cancer, familial 2. Last evaluated: 2004-02-20. Review status: no assertion criteria provided. Collection method: clinical testing. Allele origin: germline. Affected: yes. Observed: 4 variant alleles. Not counted in ClinVar's aggregate classification.

Literature cited by the submitters: PubMed 25186627 (cited by 4 submitters); PubMed 29446198 (cited by 4 submitters); PubMed 20104584 (cited by Labcorp Genetics (formerly Invitae), Labcorp); PubMed 8988179 (cited by All of Us Research Program, National Institutes of Health); PubMed 11897832 (cited by All of Us Research Program, National Institutes of Health).